The following is an entry in ClinVar:

NM_001029883.3(PCARE):c.1262A>G (p.Lys421Arg)

Gene: PCARE (photoreceptor cilium actin regulator; minus strand). Cytogenetic location: 2p23.2.
Variant type: single nucleotide variant.
Coding change: c.1262A>G on transcript NM_001029883.3 (MANE Select); coding-DNA position 1262, A replaced by G.
Protein change: p.Lys421Arg; replaces lysine 421 with arginine.
Molecular consequence: missense variant.
Genome position (GRCh38, 1-based): chr2:29,073,000, T>C on the plus strand (A>G on the coding strand, the complement: PCARE is on the minus strand). VCF-style: chr2-29073000-T-C. GRCh37 (hg19) VCF-style: chr2-29295866-T-C.
Other names: short protein forms K421R.
Identifiers: ClinVar variation 335665 (VCV000335665.15), dbSNP rs17007544, ClinGen allele CA1592464.

ClinVar aggregate classification (germline): Benign. Review status: criteria provided, multiple submitters, no conflicts (2 of 4 stars). 4 submissions from 4 submitters: Benign (4). Last evaluated 2026-02-03.

Conditions:
Retinal dystrophy. Also called: Inherited retinal dystrophy. Identifiers: Orphanet 71862, MedGen C0854723, MeSH D058499, MONDO:0019118, HP:0000556.
Retinitis pigmentosa (RP). Identifiers: Orphanet 791, MedGen C0035334, MeSH D012174, MONDO:0019200, OMIM 268000. Inheritance: Autosomal dominant, autosomal recessive and X linked inheritance.

Allele frequency attached by ClinVar (database versions not stated): ESP Exome Variant Server 0.04264; gnomAD 0.05074 and 0.05537; gnomAD exomes 0.05261 and 0.06790; TOPMed 0.06075; ExAC 0.06584; 1000 Genomes Project 30x 0.09744; 1000 Genomes Project 0.10423.

Submissions (4):

Labcorp Genetics (formerly Invitae), Labcorp
Classification: Benign. Last evaluated: 2026-02-03. Review status: criteria provided, single submitter. Criteria: Invitae Variant Classification Sherloc (09022015). Collection method: clinical testing. Allele origin: germline.

Dept Of Ophthalmology, Nagoya University
Classification: Benign for Retinal dystrophy. Last evaluated: 2023-10-01. Review status: criteria provided, single submitter. Criteria: Submitter's publication. Collection method: research. Allele origin: germline. Affected: yes.

Illumina Laboratory Services, Illumina
Classification: Benign for Retinitis pigmentosa. Last evaluated: 2018-01-13. Review status: criteria provided, single submitter. Criteria: ICSL Variant Classification Criteria 13 December 2019. Collection method: clinical testing. Allele origin: germline.
Comment: This variant was observed in the ICSL laboratory as part of a predisposition screen in an ostensibly healthy population. It had not been previously curated by ICSL or reported in the Human Gene Mutation Database (HGMD: prior to June 1st, 2018), and was therefore a candidate for classification through an automated scoring system. Utilizing variant allele frequency, disease prevalence and penetrance estimates, and inheritance mode, an automated score was calculated to assess if this variant is too frequent to cause the disease. Based on the score and internal cut-off values, a variant classified as benign is not then subjected to further curation. The score for this variant resulted in a classification of benign for this disease.

Breakthrough Genomics
Classification: Benign. Review status: criteria provided, single submitter. Criteria: ACMG Guidelines, 2015. Collection method: not provided. Allele origin: germline. Inheritance: Unknown mechanism. Affected: yes.